The following is an entry in ClinVar:

ClinVar aggregate classification (germline): Likely pathogenic (1 of 4 stars; one submission).

Conditions:
Autosomal recessive limb-girdle muscular dystrophy type 2J (LGMDR10). Also called: Limb-girdle muscular dystrophy, type 2J; MUSCULAR DYSTROPHY, LIMB-GIRDLE, AUTOSOMAL RECESSIVE 10. Identifiers: Orphanet 140922, MedGen C1837342, MONDO:0012127, OMIM 608807.
Dilated cardiomyopathy 1G (CMD1G). Identifiers: Orphanet 154, MedGen C1858763, MONDO:0011400, OMIM 604145.

Submission:

Labcorp Genetics (formerly Invitae), Labcorp
Classification: Likely pathogenic for Dilated cardiomyopathy 1G; Autosomal recessive limb-girdle muscular dystrophy type 2J. Last evaluated: 2025-12-19. Review status: criteria provided, single submitter. Criteria: Invitae Variant Classification Sherloc (09022015). Collection method: clinical testing. Allele origin: germline.
Comment: This sequence change creates a premature translational stop signal (p.Thr16540*) in the TTN gene. While this is not anticipated to result in nonsense mediated decay, it is expected to create a truncated TTN protein. This variant is not present in population databases (gnomAD no frequency). This variant has not been reported in the literature in individuals affected with TTN-related conditions. Algorithms developed to predict the effect of sequence changes on RNA splicing suggest that this variant may disrupt the consensus splice site. This variant is located in the A band of TTN (PMID: 25589632). Truncating variants in this region are significantly overrepresented in patients affected with dilated cardiomyopathy (PMID: 25589632). Truncating variants in this region have also been reported in individuals affected with autosomal recessive centronuclear myopathy (PMID: 23975875). In summary, the currently available evidence indicates that the variant is pathogenic, but additional data are needed to prove that conclusively. Therefore, this variant has been classified as Likely Pathogenic.

Literature cited by the submitters: PubMed 25589632; PubMed 23975875.

NM_001267550.2(TTN):c.49617_49629del (p.Ser16539_Thr16540insTer)

Genes: TTN (titin; minus strand), TTN-AS1 (TTN antisense RNA 1; plus strand). Cytogenetic location: 2q31.2.
Variant type: Deletion.
Coding change: c.49617_49629del on transcript NM_001267550.2 (MANE Select); coding-DNA positions 49617 to 49629, 13 bases deleted (AACTGAACCAATC).
Protein change: p.Ser16539_Thr16540insTer.
Molecular consequence: frameshift variant.
Genome position (GRCh38, 1-based): chr2:178,613,180-178,613,192, GATTGGTTCAGTT deleted on the plus strand (AACTGAACCAATC on the coding strand, the reverse complement: TTN is on the minus strand); deleting any 13 consecutive bases within chr2:178,613,180-178,613,196 gives the same sequence; the c. name uses the placement nearest the transcript's 3' end. VCF-style (leftmost placement, unchanged base first): chr2-178613179-AGATTGGTTCAGTT-A. GRCh37 (hg19) VCF-style: chr2-179477906-AGATTGGTTCAGTT-A.
Other names: c.44694_44706del, p.Ser14898_Thr14899insTer (NM_001256850.1); c.22422_22434del, p.Ser7474_Thr7475insTer (NM_003319.4); c.41913_41925del, p.Ser13971_Thr13972insTer (NM_133378.4); c.22797_22809del, p.Ser7599_Thr7600insTer (NM_133432.3); c.22998_23010del, p.Ser7666_Thr7667insTer (NM_133437.4).
Identifiers: ClinVar variation 4787070 (VCV004787070.1).
Genomic context (GRCh38, chr2:178,613,179, plus strand): 5'-ATATGAACTTCGAAATAACCACAAAAATTATATAAATAATACCTATGGGATCCTTTATTA[AGATTGGTTCAGTT>A]GATTTGCTTGGTTTTCCAGGTCCAGCAAGATTTTCAGCCAACACACGGAATCTGTATTTT-3'